The following is an entry in ClinVar:

NM_024675.4(PALB2):c.1762T>C (p.Phe588Leu)

Gene: PALB2 (partner and localizer of BRCA2; minus strand). Cytogenetic location: 16p12.2.
Variant type: single nucleotide variant.
Coding change: c.1762T>C on transcript NM_024675.4 (MANE Select); coding-DNA position 1762, T replaced by C.
Protein change: p.Phe588Leu; replaces phenylalanine 588 with leucine.
Molecular consequence: missense variant.
Genome position (GRCh38, 1-based): chr16:23,630,392, A>G on the plus strand (T>C on the coding strand, the complement: PALB2 is on the minus strand). VCF-style: chr16-23630392-A-G. GRCh37 (hg19) VCF-style: chr16-23641713-A-G.
Other names: short protein forms F588L.
Identifiers: ClinVar variation 1024121 (VCV001024121.11), dbSNP rs762820168, ClinGen allele CA395128215.

ClinVar aggregate classification (germline): Uncertain significance. Review status: criteria provided, multiple submitters, no conflicts (2 of 4 stars). 2 submissions from 2 submitters: Uncertain significance (2). Last evaluated 2025-09-15.

Conditions:
Breast-ovarian cancer, familial, susceptibility to, 1 (BROVCA1). Also called: BRCA1 Hereditary Breast and Ovarian Cancer; OVARIAN CANCER, SUSCEPTIBILITY TO. Identifiers: Orphanet 145, MedGen C2676676, MONDO:0011450, OMIM 604370. Disease mechanism: loss of function.
Familial cancer of breast. Also called: BREAST CANCER, FAMILIAL; Hereditary breast cancer; hereditary breast carcinoma. Identifiers: Orphanet 227535, MedGen C0346153, MONDO:0016419, OMIM 114480. Disease mechanism: loss of function.

Submissions (2):

Labcorp Genetics (formerly Invitae), Labcorp
Classification: Uncertain significance for Familial cancer of breast. Last evaluated: 2025-09-15. Review status: criteria provided, single submitter. Criteria: Invitae Variant Classification Sherloc (09022015). Collection method: clinical testing. Allele origin: germline.
Comment: This sequence change replaces phenylalanine, which is neutral and non-polar, with leucine, which is neutral and non-polar, at codon 588 of the PALB2 protein (p.Phe588Leu). This variant is not present in population databases (gnomAD no frequency). This variant has not been reported in the literature in individuals affected with PALB2-related conditions. ClinVar contains an entry for this variant (Variation ID: 1024121). Invitae Evidence Modeling of protein sequence and biophysical properties (such as structural, functional, and spatial information, amino acid conservation, physicochemical variation, residue mobility, and thermodynamic stability) indicates that this missense variant is not expected to disrupt PALB2 protein function with a negative predictive value of 80%. In summary, the available evidence is currently insufficient to determine the role of this variant in disease. Therefore, it has been classified as a Variant of Uncertain Significance.

Institute of Immunology and Genetics Kaiserslautern
Classification: Uncertain significance for Breast-ovarian cancer, familial, susceptibility to, 1. Last evaluated: 2024-07-09. Review status: criteria provided, single submitter. Criteria: ACMG Guidelines, 2015. Collection method: clinical testing. Allele origin: germline. Affected: yes.
Comment: ACMG Criteria: PM2_p, BP4; Variant was found in heterozygous state